The following is an entry in ClinVar:

NM_004360.5(CDH1):c.2164+6_2439+966del

Gene: CDH1 (cadherin 1; plus strand). Cytogenetic location: 16q22.1.
Variant type: Deletion.
Coding change: c.2164+6_2439+966del on transcript NM_004360.5 (MANE Select); 6 bases into the intron after coding-DNA position 2164 through 966 bases into the intron after coding-DNA position 2439, 7,132 bases deleted.
Molecular consequence: splice acceptor variant, splice donor variant.
Genome position (GRCh38, 1-based): chr16:68,823,632-68,830,763, 7,132 bases deleted. GRCh37 (hg19): chr16:68,857,535-68,864,666.
Other names: c.616+6_891+966del (NM_001317185.2); c.199+6_474+966del (NM_001317186.2); c.1981+6_2256+966del (NM_001317184.2).
Identifiers: ClinVar variation 845399 (VCV000845399.1), ClinGen allele CA916081842.

ClinVar aggregate classification (germline): Pathogenic (1 of 4 stars; one submission).

Conditions:
Hereditary diffuse gastric adenocarcinoma (HDGC). Also called: DIFFUSE GASTRIC AND LOBULAR BREAST CANCER SYNDROME. Identifiers: Orphanet 26106, MedGen C1708349, MONDO:0007648, OMIM 137215.

Submission:

Labcorp Genetics (formerly Invitae), Labcorp
Classification: Pathogenic for Hereditary diffuse gastric cancer. Last evaluated: 2019-03-12. Review status: criteria provided, single submitter. Criteria: Invitae Variant Classification Sherloc (09022015). Collection method: clinical testing. Allele origin: germline.
Comment: This variant is a sub-genic deletion of the genomic region encompassing exons 14-15 of the CDH1 gene. While this deletion is not anticipated to result in nonsense mediated decay, it is expected to create a truncated protein product. This variant has not been reported in the literature in individuals with CDH1-related conditions. This variant is expected to affect the C-terminal portion of the cytoplasmic domain of the CDH1 (E-cadherin) protein, which includes the binding domains for the PIP5K1C (phosphatidylinositol phosphate kinase, type I gamma) and CTNNB1 (beta-catenin) proteins (PMID: 22850631). Loss of these domains is expected to disrupt normal E-cadherin function. This suggests that deletion of this region of the CDH1 protein is causative of disease. Sub-genic deletion of exons 14-16 and exon 16 have been determined to be pathogenic (PMID: PMID: 19168852, Invitae). Therefore, deletions that fully encompass that region are also expected to be pathogenic. For these reasons, this variant has been classified as Pathogenic.

Literature cited by the submitters: PubMed 19168852; PubMed 22850631.